The following is an entry in ClinVar:

ClinVar aggregate classification (germline): Likely benign. Review status: criteria provided, multiple submitters, no conflicts (2 of 4 stars). 4 submissions from 4 submitters: Likely benign (4). Last evaluated 2026-09-18.

Conditions:
MYH9-related disorder. Identifiers: MedGen C1854520.
Autosomal dominant nonsyndromic hearing loss 17. Also called: Autosomal dominant nonsyndromic deafness 17; Deafness, autosomal dominant 17. Identifiers: Orphanet 90635, MedGen C1863659, MONDO:0011350, OMIM 603622.
Macrothrombocytopenia and granulocyte inclusions with or without nephritis or sensorineural hearing loss (MATINS). Also called: BLEEDING DISORDER, PLATELET-TYPE, 6; MACROTHROMBOCYTOPENIA, NEPHRITIS, AND DEAFNESS; MACROTHROMBOCYTOPENIA, NEPHRITIS, DEAFNESS, AND LEUKOCYTE INCLUSIONS; ALPORT SYNDROME WITH MACROTHROMBOCYTOPENIA; Fechtner syndrome; Epstein syndrome. Identifiers: Orphanet 182050, MedGen C5200934, MONDO:0015912, OMIM 155100.

Allele frequency attached by ClinVar (database versions not stated): gnomAD exomes 0.00002 and 0.00004; ExAC 0.00005; gnomAD 0.00019 and 0.00020; TOPMed 0.00019; 1000 Genomes Project 30x 0.00031; ESP Exome Variant Server 0.00031; 1000 Genomes Project 0.00040.
gnomAD v4.1: 61 of 1,611,642 alleles (0.0038%); highest among the groups gnomAD compares: African/African-American, 0.063%; no homozygotes.

Submissions (4):

PreventionGenetics, part of Exact Sciences
Classification: Likely benign for MYH9-related condition. Last evaluated: 2026-09-18. Review status: criteria provided, single submitter. Criteria: ACMG Guidelines, 2015. Collection method: clinical testing. Allele origin: germline.
Comment: This variant is classified as likely benign based on ACMG/AMP sequence variant interpretation guidelines (Richards et al. 2015 PMID: 25741868, with internal and published modifications).

Labcorp Genetics (formerly Invitae), Labcorp
Classification: Likely benign. Last evaluated: 2025-07-28. Review status: criteria provided, single submitter. Criteria: Invitae Variant Classification Sherloc (09022015). Collection method: clinical testing. Allele origin: germline.

Fulgent Genetics
Classification: Likely benign for Macrothrombocytopenia and granulocyte inclusions with or without nephritis or sensorineural hearing loss; Autosomal dominant nonsyndromic hearing loss 17. Last evaluated: 2022-01-26. Review status: criteria provided, single submitter. Criteria: ACMG Guidelines, 2015. Collection method: clinical testing. Allele origin: unknown.

Laboratory for Molecular Medicine, Mass General Brigham Personalized Medicine
Classification: Likely benign. Last evaluated: 2015-05-27. Review status: criteria provided, single submitter. Criteria: LMM Criteria. Collection method: clinical testing. Allele origin: germline. Observed: 1 variant allele.
Comment: p.Leu1085Leu in exon 25 of MYH9: This variant is not expected to have clinical s ignificance because it does not alter an amino acid residue and is not located w ithin the splice consensus sequence. It has been identified in 0.1% (6/9960) of African chromosomes by the Exome Aggregation Consortium (ExAC; dbSNP rs142427583).

NM_002473.6(MYH9):c.3255C>T (p.Leu1085=)

Gene: MYH9 (myosin heavy chain 9; minus strand). Cytogenetic location: 22q12.3.
Variant type: single nucleotide variant.
Coding change: c.3255C>T on transcript NM_002473.6 (MANE Select); coding-DNA position 3255, C replaced by T.
Protein change: p.Leu1085=; no amino-acid change (leucine 1085 retained).
Molecular consequence: synonymous variant.
Genome position (GRCh38, 1-based): chr22:36,296,860, G>A on the plus strand (C>T on the coding strand, the complement: MYH9 is on the minus strand). VCF-style: chr22-36296860-G-A. GRCh37 (hg19) VCF-style: chr22-36692906-G-A.
Identifiers: ClinVar variation 227607 (VCV000227607.14), dbSNP rs142427583, ClinGen allele CA10209720.
Genomic context (GRCh38, chr22:36,296,860, plus strand): 5'-GGCCCAGGCCACCTGGCCTCAGGCGGGCAGGCGGGGTCCTCACCTGGCCAGGGCGGCCTG[G>A]AGCTCCTCCTCTTTCTTGGCCAGCTGCATCTTGAGCTCCGCGATCTGGGCCTGGAGCTCG-3'
Protein context (NP_002464.1, residues 1075-1095): KMQLAKKEEE[Leu1085=]QAALARVEEE